The following is an entry in ClinVar:

NM_013275.6(ANKRD11):c.4989C>A (p.Ala1663=)

Gene: ANKRD11 (ankyrin repeat domain 11; minus strand). Cytogenetic location: 16q24.3.
Variant type: single nucleotide variant.
Coding change: c.4989C>A on transcript NM_013275.6 (MANE Select); coding-DNA position 4989, C replaced by A.
Protein change: p.Ala1663=; no amino-acid change (alanine 1663 retained).
Molecular consequence: synonymous variant.
Genome position (GRCh38, 1-based): chr16:89,281,553, G>T on the plus strand (C>A on the coding strand, the complement: ANKRD11 is on the minus strand). VCF-style: chr16-89281553-G-T. GRCh37 (hg19) VCF-style: chr16-89347961-G-T.
Other names: c.4989C>A, p.Ala1663= (NM_001256182.2, NM_001256183.2).
Identifiers: ClinVar variation 1597078 (VCV001597078.33), dbSNP rs149420132, ClinGen allele CA8241986.
Genomic context (GRCh38, chr16:89,281,553, plus strand): 5'-AGGGCCTGCCAGCCAGTCTTTGGAGTCTGCACCTGATGCTGGGTGTAGCTTATTTTCCGC[G>T]GCAGGTGGAATAGGAGTCGACTCTTTGAGCTTTTTGTCTTTAAATGGAGGGTCCAGCCCC-3'
Protein context (NP_037407.4, residues 1653-1673): KLKESTPIPP[Ala1663=]AENKLHPASG

ClinVar aggregate classification (germline): Likely benign. Review status: criteria provided, multiple submitters, no conflicts (2 of 4 stars). 3 submissions from 3 submitters: Likely benign (3). Last evaluated 2026-08-01.

Conditions:
KBG syndrome (KBGS). Also called: ANKRD11-Related KBG Syndrome. Identifiers: Orphanet 2332, MedGen C0220687, MONDO:0007846, OMIM 148050.

Allele frequency attached by ClinVar (database versions not stated): ESP Exome Variant Server 0.00008; 1000 Genomes Project 30x 0.00016.
gnomAD v4.1: 206 of 1,614,154 alleles (0.013%); highest among the groups gnomAD compares: Middle Eastern, 0.2%; 1 homozygote.

Submissions (3):

CeGaT Center for Human Genetics Tuebingen
Classification: Likely benign. Last evaluated: 2026-08-01. Review status: criteria provided, single submitter. Criteria: CeGaT Center For Human Genetics Tuebingen Variant Classification Criteria Version 2. Collection method: clinical testing. Allele origin: germline. Affected: yes. Observed: 6 variant alleles.
Comment: ANKRD11: BP4, BP7

Labcorp Genetics (formerly Invitae), Labcorp
Classification: Likely benign for KBG syndrome. Last evaluated: 2025-06-16. Review status: criteria provided, single submitter. Criteria: Invitae Variant Classification Sherloc (09022015). Collection method: clinical testing. Allele origin: germline.

Blueprint Genetics
Classification: Likely benign. Last evaluated: 2024-11-22. Review status: criteria provided, single submitter. Criteria: ACMG Guidelines, 2015. Collection method: clinical testing. Allele origin: germline.